The following is an entry in ClinVar:

NM_000465.4(BARD1):c.1540C>G (p.Leu514Val)

Gene: BARD1 (BRCA1 associated RING domain 1; minus strand). Cytogenetic location: 2q35.
Variant type: single nucleotide variant.
Coding change: c.1540C>G on transcript NM_000465.4 (MANE Select); coding-DNA position 1540, C replaced by G.
Protein change: p.Leu514Val; replaces leucine 514 with valine.
Molecular consequence: missense variant. On other transcripts: non-coding transcript variant (3), intron variant (3).
Genome position (GRCh38, 1-based): chr2:214,767,510, G>C on the plus strand (C>G on the coding strand, the complement: BARD1 is on the minus strand). VCF-style: chr2-214767510-G-C. GRCh37 (hg19) VCF-style: chr2-215632234-G-C.
Other names: p.L514V:CTT>GTT; c.1483C>G, p.Leu495Val (NM_001282543.2); c.159-14955C>G (NM_001282548.2); c.216-14955C>G (NM_001282545.2); c.364+24787C>G (NM_001282549.2); short protein forms L514V, L495V.
Identifiers: ClinVar variation 127715 (VCV000127715.26), dbSNP rs587780016, ClinGen allele CA287514.
Genomic context (GRCh38, chr2:214,767,510, plus strand): 5'-TTTAAAAATAATTTTTACGTTGAACTACTTACACAGCATTTCTGGAGGCTCCATAGGAAA[G>C]TAACAGCTTGACTATATCCACATGCCCATTCTTGGCTGCATCGTGAAGTGGTGAGTCATT-3'
Protein context (NP_000456.2, residues 504-524): NGHVDIVKLL[Leu514Val]SYGASRNAVN

ClinVar aggregate classification (germline): Uncertain significance. Review status: criteria provided, multiple submitters, no conflicts (2 of 4 stars). 6 submissions from 6 submitters: Uncertain significance (6). Last evaluated 2026-01-14.

Conditions:
Hereditary cancer-predisposing syndrome. Also called: Neoplastic Syndromes, Hereditary; Hereditary neoplastic syndrome; Tumor predisposition; Hereditary Cancer Syndrome. Identifiers: Orphanet 140162, MedGen C0027672, MeSH D009386, MONDO:0015356.
Familial cancer of breast. Also called: Hereditary breast cancer; hereditary breast carcinoma; BREAST CANCER, FAMILIAL. Identifiers: Orphanet 227535, MedGen C0346153, MONDO:0016419, OMIM 114480. Disease mechanism: loss of function.

Allele frequency attached by ClinVar (database versions not stated): gnomAD exomes below 0.00001 and 0.00001; gnomAD 0.00001; TOPMed below 0.00001.

Submissions (6):

Labcorp Genetics (formerly Invitae), Labcorp
Classification: Uncertain significance for Familial cancer of breast. Last evaluated: 2026-01-14. Review status: criteria provided, single submitter. Criteria: Invitae Variant Classification Sherloc (09022015). Collection method: clinical testing. Allele origin: germline.
Comment: This sequence change replaces leucine, which is neutral and non-polar, with valine, which is neutral and non-polar, at codon 514 of the BARD1 protein (p.Leu514Val). This variant is present in population databases (rs587780016, gnomAD 0.002%). This variant has not been reported in the literature in individuals affected with BARD1-related conditions. ClinVar contains an entry for this variant (Variation ID: 127715). An algorithm developed to predict the effect of missense changes on protein structure and function (PolyPhen-2) suggests that this variant is likely to be tolerated. In summary, the available evidence is currently insufficient to determine the role of this variant in disease. Therefore, it has been classified as a Variant of Uncertain Significance.

Ambry Genetics
Classification: Uncertain significance for Hereditary cancer-predisposing syndrome. Last evaluated: 2025-12-18. Review status: criteria provided, single submitter. Criteria: Ambry Variant Classification Scheme 2023. Collection method: clinical testing. Allele origin: germline.
Comment: The p.L514V variant (also known as c.1540C>G), located in coding exon 6 of the BARD1 gene, results from a C to G substitution at nucleotide position 1540. The leucine at codon 514 is replaced by valine, an amino acid with highly similar properties. This amino acid position is highly conserved in available vertebrate species. In addition, the in silico prediction for this alteration is inconclusive. Since supporting evidence is limited at this time, the clinical significance of this alteration remains unclear.

Quest Diagnostics Nichols Institute San Juan Capistrano
Classification: Uncertain significance. Last evaluated: 2025-08-13. Review status: criteria provided, single submitter. Criteria: Quest Diagnostics criteria. Collection method: clinical testing. Allele origin: unknown.
Comment: The BARD1 c.1540C>G (p.Leu514Val) variant has been reported in the published literature in an individual with breast cancer (PMID: 33471991 (2021), see also LOVD). The frequency of this variant in the general population (Genome Aggregation Database) is uninformative in the assessment of its pathogenicity. Analysis of this variant using bioinformatics tools for the prediction of the effect of amino acid changes on protein structure and function yielded conflicting predictions that this variant is benign or damaging. Based on the available information, we are unable to determine the clinical significance of this variant.

Color Diagnostics, LLC DBA Color Health
Classification: Uncertain significance for Hereditary cancer-predisposing syndrome. Last evaluated: 2025-02-10. Review status: criteria provided, single submitter. Criteria: ACMG Guidelines, 2015. Collection method: clinical testing. Allele origin: germline.
Comment: This missense variant replaces leucine with valine at codon 514 of the BARD1 protein. Computational prediction suggests that this variant may not impact protein structure and function. To our knowledge, functional studies have not been reported for this variant. This variant has not been reported in individuals affected with BARD1-related disorders in the literature. This variant has been identified in 3/282690 chromosomes in the general population by the Genome Aggregation Database (gnomAD). The available evidence is insufficient to determine the role of this variant in disease conclusively. Therefore, this variant is classified as a Variant of Uncertain Significance.

Fulgent Genetics
Classification: Uncertain significance for Familial cancer of breast. Last evaluated: 2024-03-05. Review status: criteria provided, single submitter. Criteria: ACMG Guidelines, 2015. Collection method: clinical testing. Allele origin: germline.

GeneDx
Classification: Uncertain significance. Last evaluated: 2023-09-29. Review status: criteria provided, single submitter. Criteria: GeneDx Variant Classification Process June 2021. Collection method: clinical testing. Allele origin: germline. Affected: yes.
Comment: Not observed at significant frequency in large population cohorts (gnomAD); In silico analysis supports that this missense variant does not alter protein structure/function; Has not been previously published as pathogenic or benign to our knowledge; This variant is associated with the following publications: (PMID: 18480049)

Literature cited by the submitters: PubMed 33471991 (cited by Quest Diagnostics Nichols Institute San Juan Capistrano).